The following is an entry in ClinVar:

ClinVar aggregate classification (germline): Pathogenic. Review status: criteria provided, multiple submitters, no conflicts (2 of 4 stars). 2 submissions from 2 submitters: Pathogenic (2). Last evaluated 2026-09-08.

Conditions:
Fabry disease. Also called: ALPHA-GALACTOSIDASE A DEFICIENCY; ANDERSON-FABRY DISEASE; CERAMIDE TRIHEXOSIDASE DEFICIENCY; GLA DEFICIENCY; HEREDITARY DYSTOPIC LIPIDOSIS; Angiokeratoma corporis diffusum. Identifiers: Orphanet 324, MedGen C0002986, MONDO:0010526, OMIM 301500, HP:0001071. Disease mechanism: Fabry disease is due to inactivating mutations in the X-linked GLA gene resulting in deficiency of the enzyme Alpha Galactosidase-A., loss of function.
GLA-related disorder. Also called: GLA-related condition.

Submissions (2):

Genomenon, Inc
Classification: Pathogenic for Fabry disease. Last evaluated: 2026-09-08. Review status: criteria provided, single submitter. Criteria: Genomenon Sequence Variant Interpretation Standards - Updated. Collection method: curation. Allele origin: germline. Affected: yes.
Comment: GLA p.Cys90Tyr (c.269G>A) is a missense variant that changes the amino acid at codon 90 from Cysteine to Tyrosine. This variant has been observed in at least one proband with clinical features consistent with Fabry disease (PMID:36140787). The variant was found to segregate with disease in at least one affected family (PMID:36140787). At least one functional study has demonstrated a substantial alteration in protein function relative to the wild-type (PMID:26044846;27657681). This variant is located in a mutational hotspot and/or important functional domain. It is absent or not present at a significant frequency in gnomAD. In silico models predict that this variant is possibly or probably damaging. In conclusion, we classify GLA p.Cys90Tyr (c.269G>A) as a pathogenic variant.

Blueprint Genetics
Classification: Pathogenic for GLA-related disorders. Last evaluated: 2023-04-12. Review status: criteria provided, single submitter. Criteria: ACMG Guidelines, 2015. Collection method: clinical testing. Allele origin: germline. Affected: yes. Observed: 2 variant alleles.

Literature cited by the submitters: PubMed 36140787 (cited by Genomenon, Inc); PubMed 26044846 (cited by Genomenon, Inc); PubMed 27657681 (cited by Genomenon, Inc).

NM_000169.3(GLA):c.269G>A (p.Cys90Tyr)

Genes: GLA (galactosidase alpha; minus strand), RPL36A-HNRNPH2 (RPL36A-HNRNPH2 readthrough; plus strand). Cytogenetic location: Xq22.1.
Variant type: single nucleotide variant.
Coding change: c.269G>A on transcript NM_000169.3 (MANE Select); coding-DNA position 269, G replaced by A.
Protein change: p.Cys90Tyr; replaces cysteine 90 with tyrosine.
Molecular consequence: missense variant. On other transcripts: non-coding transcript variant (3), intron variant (2).
Genome position (GRCh38, 1-based): chrX:101,403,911, C>T on the plus strand (G>A on the coding strand, the complement: GLA is on the minus strand). VCF-style: chrX-101403911-C-T. GRCh37 (hg19) VCF-style: chrX-100658899-C-T.
Other names: c.392G>A, p.Cys131Tyr (NM_001406747.1, NM_001406749.1); c.269G>A, p.Cys90Tyr (NM_001406748.1); c.301-8025C>T (NM_001199973.2); c.178-8025C>T (NM_001199974.2); short protein forms C90Y, C131Y.
Identifiers: ClinVar variation 4087322 (VCV004087322.2).